The following is an entry in ClinVar:

NM_173491.4(LSM11):c.*20G>A

Gene: LSM11 (LSM11, U7 small nuclear RNA associated; plus strand). Cytogenetic location: 5q33.3.
Variant type: single nucleotide variant.
Coding change: c.*20G>A on transcript NM_173491.4 (MANE Select); 20 bases downstream of the stop codon, G replaced by A.
Molecular consequence: 3 prime UTR variant.
Genome position (GRCh38, 1-based): chr5:157,755,284, G>A. VCF-style: chr5-157755284-G-A. GRCh37 (hg19) VCF-style: chr5-157182292-G-A.
Identifiers: ClinVar variation 4853557 (VCV004853557.1).

ClinVar aggregate classification (germline): Uncertain significance (1 of 4 stars; one submission).

gnomAD v4.1: 871 of 1,604,788 alleles (0.054%); highest among the groups gnomAD compares: Non-Finnish European, 0.053%; 1 homozygote.

Submission:

Women's Health and Genetics/Laboratory Corporation of America, LabCorp
Classification: Uncertain significance. Last evaluated: 2026-05-05. Review status: criteria provided, single submitter. Criteria: LabCorp Variant Classification Summary - May 2015. Collection method: clinical testing. Allele origin: germline.
Comment: Variant summary: LSM11 c.*20G>A is located in the untranslated mRNA region downstream of the termination codon. The variant allele was found at a frequency of 0.0011 in 240558 control chromosomes. This frequency is not significantly higher than estimated for disease-causing variants in LSM11, allowing no conclusion about variant significance. To our knowledge, no occurrence of c.*20G>A in individuals affected with LSM11-related conditions and no experimental evidence demonstrating its impact on protein function have been reported. No submitters have cited clinical-significance assessments for this variant to ClinVar. Based on the evidence outlined above, the variant was classified as uncertain significance.